The following is an entry in ClinVar:

ClinVar aggregate classification (germline): Likely benign (1 of 4 stars; one submission).

gnomAD v4.1: 6 of 1,613,036 alleles (0.00037%); highest among the groups gnomAD compares: African/African-American, 0.0027%; no homozygotes.

Submission:

CeGaT Center for Human Genetics Tuebingen
Classification: Likely benign. Last evaluated: 2024-08-01. Review status: criteria provided, single submitter. Criteria: CeGaT Center For Human Genetics Tuebingen Variant Classification Criteria Version 2. Collection method: clinical testing. Allele origin: germline. Affected: yes. Observed: 1 variant allele.
Comment: PCGF2: BP4, BP7

NM_007144.3(PCGF2):c.321C>T (p.Pro107=)

Gene: PCGF2 (polycomb group ring finger 2; minus strand). Cytogenetic location: 17q12.
Variant type: single nucleotide variant.
Coding change: c.321C>T on transcript NM_007144.3 (MANE Select); coding-DNA position 321, C replaced by T.
Protein change: p.Pro107=; no amino-acid change (proline 107 retained).
Molecular consequence: synonymous variant.
Genome position (GRCh38, 1-based): chr17:38,738,857, G>A on the plus strand (C>T on the coding strand, the complement: PCGF2 is on the minus strand). VCF-style: chr17-38738857-G-A. GRCh37 (hg19) VCF-style: chr17-36895110-G-A.
Other names: c.321C>T, p.Pro107= (NM_001369614.1, NM_001369615.1).
Identifiers: ClinVar variation 3342211 (VCV003342211.16).
Genomic context (GRCh38, chr17:38,738,857, plus strand): 5'-ATCACTCAGAGCCCCCTTCTCCTGCTCCAAGACCTCGCCGCGGTCCTCATTGGAGCCGTT[G>A]GGGACTGCAGAAGGAAAGAGCTCTCGGGTTGGCGGAGGATGTAGGAAGGGAGCCCGCCAA-3'
Protein context (NP_009075.1, residues 97-117): FYAAYPLTEV[Pro107=]NGSNEDRGEV